The following is an entry in ClinVar:

ClinVar aggregate classification (germline): Conflicting classifications of pathogenicity. Review status: criteria provided, conflicting classifications (1 of 4 stars). 4 submissions from 4 submitters: Pathogenic (1); Likely pathogenic (1); Uncertain significance (1). 1 of the submissions does not count toward it. Last evaluated 2025-02-24.

Conditions:
Tay-Sachs disease (TSD). Also called: HEXA Disorders; HEXA DEFICIENCY; Hexosaminidase A Deficiency; GM2 gangliosidosis, type 1; Hexosaminidase alpha-subunit deficiency (variant B); Sphingolipidosis, Tay-Sachs. Identifiers: Orphanet 845, MedGen C0039373, MONDO:0010100, OMIM 272800.
Tay-Sachs disease, variant AB. Also called: GM2 Activator Deficiency; Gm2-gangliosidosis, ab variant. Identifiers: Orphanet 309246, MedGen C0268275, MONDO:0010099, OMIM 272750.

Allele frequency attached by ClinVar (database versions not stated): TOPMed below 0.00001; gnomAD exomes 0.00001; ExAC 0.00002.
gnomAD v4.1: 5 of 1,614,254 alleles (0.00031%); highest among the groups gnomAD compares: South Asian, 0.0055%; no homozygotes.

Submissions (4):

Natera, Inc.
Classification: Likely pathogenic for Tay-Sachs disease. Last evaluated: 2025-02-24. Review status: criteria provided, single submitter. Criteria: Natera Variant Classification Schema (03/2026). Collection method: clinical testing. Allele origin: germline.
Comment: The c.109T>A variant in HEXA is a missense variant predicted to cause substitution of tyrosine to asparagine at amino acid 37. This variant is rare in the general population with a frequency below the threshold expected for the associated phenotype(s). This variant has been observed in one or more individuals affected with the associated recessive disease, as either homozygous or compound heterozygous with a second variant (PMID: 31519716, 18358410). This variant has been identified in one or more affected individuals with a phenotype highly consistent with the associated gene (PMID: 31519716). Computational prediction algorithms indicate this variant is likely to affect gene or protein function. Given the available evidence, this variant is classified as Likely Pathogenic.

Foundation for Research in Genetics and Endocrinology, FRIGE's Institute of Human Genetics
Classification: Uncertain significance for Tay-Sachs disease. Last evaluated: 2023-09-16. Review status: criteria provided, single submitter. Criteria: ACMG Guidelines, 2015. Collection method: clinical testing. Allele origin: germline. Inheritance: Autosomal recessive inheritance. Affected: yes. Observed: 1 homozygote.
Comment: A homozygous variantion in exon 1 of the HEXA gene that results in the amino acid substitution of Asparagine for Tyrosine at codon 37 was detected. This variant has not been reported in the 1000 genomes, gnomAD (v3.1), gnomAD (v3) database and has a minor allele frequency of 0.00038% in the topmed database. The in-silico prediction of the variant is probably damaging by PolyPhen-2 and MutationTaster2. The reference codon is conserved across species. In summary, the variant meets our criteria to be classified as variant of uncertain significance.

CENTOGENE GmbH and LLC - Guiding Precision Medicine
Classification: Pathogenic for Tay-Sachs disease; Tay-Sachs disease, variant AB. Review status: criteria provided, single submitter. Criteria: ACMG Guidelines, 2015. Collection method: clinical testing. Allele origin: germline. Affected: yes.

Counsyl
Classification: Uncertain significance for Tay-Sachs disease. Last evaluated: 2018-01-31. Review status: no assertion criteria provided. Collection method: clinical testing. Allele origin: unknown. Not counted in ClinVar's aggregate classification.

Literature cited by the submitters: PubMed 31519716 (cited by Natera, Inc.); PubMed 18358410 (cited by Natera, Inc. and Counsyl).

NM_000520.6(HEXA):c.109T>A (p.Tyr37Asn)

Gene: HEXA (hexosaminidase subunit alpha; minus strand). Cytogenetic location: 15q23.
Variant type: single nucleotide variant.
Coding change: c.109T>A on transcript NM_000520.6 (MANE Select); coding-DNA position 109, T replaced by A.
Protein change: p.Tyr37Asn; replaces tyrosine 37 with asparagine.
Molecular consequence: missense variant. On other transcripts: non-coding transcript variant (1).
Genome position (GRCh38, 1-based): chr15:72,375,864, A>T on the plus strand (T>A on the coding strand, the complement: HEXA is on the minus strand). VCF-style: chr15-72375864-A-T. GRCh37 (hg19) VCF-style: chr15-72668205-A-T.
Other names: p.Tyr37Asn; c.109T>A, p.Tyr37Asn (NM_001318825.2); short protein forms Y37N.
Identifiers: ClinVar variation 556416 (VCV000556416.6), dbSNP rs759157781, ClinGen allele CA7645110.
Genomic context (GRCh38, chr15:72,375,864, plus strand): 5'-CGGGCTGCGCGGCCGAGCTGACATCGTACTGGAATTGAAAGTTGTTCGGGTAAAGGACGT[A>T]GCGCTGGTCGGAGGTTTGGAAGTTCTGAGGCCAGGGCCAGAGGGCCGTCGCCCGTCCTGC-3'
Protein context (NP_000511.2, residues 27-47): PQNFQTSDQR[Tyr37Asn]VLYPNNFQFQ